The following is an entry in ClinVar:

NM_000303.3(PMM2):c.325A>T (p.Lys109Ter)

Gene: PMM2 (phosphomannomutase 2; plus strand). Cytogenetic location: 16p13.2.
Variant type: single nucleotide variant.
Coding change: c.325A>T on transcript NM_000303.3 (MANE Select); coding-DNA position 325, A replaced by T.
Protein change: p.Lys109Ter; replaces lysine 109 with a stop codon.
Molecular consequence: nonsense.
Genome position (GRCh38, 1-based): chr16:8,806,385, A>T. VCF-style: chr16-8806385-A-T. GRCh37 (hg19) VCF-style: chr16-8900242-A-T.
Other names: short protein forms K109*.
Identifiers: ClinVar variation 1724936 (VCV001724936.2), dbSNP rs2549145236, ClinGen allele CA394696299.

ClinVar aggregate classification (germline): Likely pathogenic (1 of 4 stars; one submission).

Conditions:
PMM2-congenital disorder of glycosylation. Also called: CDG Ia; Congenital disorder of glycosylation, type Ia; JAEKEN SYNDROME; PHOSPHOMANNOMUTASE 2 DEFICIENCY; CARBOHYDRATE-DEFICIENT GLYCOPROTEIN SYNDROME, TYPE Ia; PMM2-CDG. Identifiers: Orphanet 79318, MedGen C0349653, MONDO:0008907, OMIM 212065.

Submission:

Myriad Genetics, Inc.
Classification: Likely pathogenic for PMM2-congenital disorder of glycosylation. Last evaluated: 2022-03-03. Review status: criteria provided, single submitter. Criteria: Myriad Women's Health Autosomal Recessive and X-Linked Classification Criteria (2021). Collection method: clinical testing. Allele origin: unknown.
Comment: NM_000303.2(PMM2):c.325A>T(K109*) is expected to be pathogenic in the context of congenital disorder of glycosylation type Ia. This variant is predicted to lead to an abnormal or absent protein product due to the creation of a premature termination codon in PMM2, a gene where loss-of-function variants are known to be pathogenic. Please note: this variant was assessed in the context of healthy population screening.